The following is an entry in ClinVar:

ClinVar aggregate classification (germline): Uncertain significance. Review status: criteria provided, multiple submitters, no conflicts (2 of 4 stars). 2 submissions from 2 submitters: Uncertain significance (2). Last evaluated 2022-02-04.

Allele frequency attached by ClinVar (database versions not stated): TOPMed 0.00001.
gnomAD v4.1: 6 of 1,613,742 alleles (0.00037%); no homozygotes.

Submissions (2):

Labcorp Genetics (formerly Invitae), Labcorp
Classification: Uncertain significance. Last evaluated: 2022-02-04. Review status: criteria provided, single submitter. Criteria: Invitae Variant Classification Sherloc (09022015). Collection method: clinical testing. Allele origin: germline.
Comment: This sequence change replaces isoleucine, which is neutral and non-polar, with valine, which is neutral and non-polar, at codon 149 of the CABP4 protein (p.Ile149Val). The frequency data for this variant in the population databases is considered unreliable, as metrics indicate poor data quality at this position in the gnomAD database. This variant has not been reported in the literature in individuals affected with CABP4-related conditions. ClinVar contains an entry for this variant (Variation ID: 942490). Algorithms developed to predict the effect of missense changes on protein structure and function are either unavailable or do not agree on the potential impact of this missense change (SIFT: "Tolerated"; PolyPhen-2: "Possibly Damaging"; Align-GVGD: "Class C15"). In summary, the available evidence is currently insufficient to determine the role of this variant in disease. Therefore, it has been classified as a Variant of Uncertain Significance.

Blueprint Genetics
Classification: Uncertain significance. Last evaluated: 2019-02-11. Review status: criteria provided, single submitter. Criteria: ACMG Guidelines, 2015. Collection method: clinical testing. Allele origin: germline.

NM_145200.5(CABP4):c.445A>G (p.Ile149Val)

Gene: CABP4 (calcium binding protein 4; plus strand). Cytogenetic location: 11q13.2.
Variant type: single nucleotide variant.
Coding change: c.445A>G on transcript NM_145200.5 (MANE Select); coding-DNA position 445, A replaced by G.
Protein change: p.Ile149Val; replaces isoleucine 149 with valine.
Molecular consequence: missense variant.
Genome position (GRCh38, 1-based): chr11:67,456,346, A>G. VCF-style: chr11-67456346-A-G. GRCh37 (hg19) VCF-style: chr11-67223817-A-G.
Other names: c.130A>G, p.Ile44Val (NM_001300895.3, NM_001300896.3, NM_001379183.1); short protein forms I44V, I149V.
Identifiers: ClinVar variation 942490 (VCV000942490.8), dbSNP rs781377373, ClinGen allele CA6140225.